The following is an entry in ClinVar:

ClinVar aggregate classification (germline): Uncertain significance (1 of 4 stars; one submission).

Conditions:
Autosomal recessive limb-girdle muscular dystrophy type 2L (LGMDR12). Also called: MUSCULAR DYSTROPHY, LIMB-GIRDLE, AUTOSOMAL RECESSIVE 12; Limb-Girdle Muscular Dystrophy R12 Anoctamin-5-Related (LGMD-R12); Limb-girdle muscular dystrophy, type 2L. Identifiers: Orphanet 206549, MedGen C1969785, MONDO:0012652, OMIM 611307.
Gnathodiaphyseal dysplasia (GDD). Also called: GNATHODIAPHYSEAL SCLEROSIS; OSTEOGENESIS IMPERFECTA WITH UNUSUAL SKELETAL LESIONS. Identifiers: Orphanet 53697, MedGen C1833736, MONDO:0008151, OMIM 166260.

Submission:

Labcorp Genetics (formerly Invitae), Labcorp
Classification: Uncertain significance for Autosomal recessive limb-girdle muscular dystrophy type 2L; Gnathodiaphyseal dysplasia. Last evaluated: 2022-04-25. Review status: criteria provided, single submitter. Criteria: Invitae Variant Classification Sherloc (09022015). Collection method: clinical testing. Allele origin: germline.
Comment: In summary, the available evidence is currently insufficient to determine the role of this variant in disease. Therefore, it has been classified as a Variant of Uncertain Significance. Advanced modeling of protein sequence and biophysical properties (such as structural, functional, and spatial information, amino acid conservation, physicochemical variation, residue mobility, and thermodynamic stability) performed at Invitae indicates that this missense variant is not expected to disrupt ANO5 protein function. This variant has not been reported in the literature in individuals affected with ANO5-related conditions. This variant is not present in population databases (gnomAD no frequency). This sequence change replaces isoleucine, which is neutral and non-polar, with threonine, which is neutral and polar, at codon 153 of the ANO5 protein (p.Ile153Thr).

NM_213599.3(ANO5):c.458T>C (p.Ile153Thr)

Gene: ANO5 (anoctamin 5; plus strand). Cytogenetic location: 11p14.3.
Variant type: single nucleotide variant.
Coding change: c.458T>C on transcript NM_213599.3 (MANE Select); coding-DNA position 458, T replaced by C.
Protein change: p.Ile153Thr; replaces isoleucine 153 with threonine.
Molecular consequence: missense variant.
Genome position (GRCh38, 1-based): chr11:22,227,396, T>C. VCF-style: chr11-22227396-T-C. GRCh37 (hg19) VCF-style: chr11-22248942-T-C.
Other names: c.455T>C, p.Ile152Thr (NM_001142649.2); c.416T>C, p.Ile139Thr (NM_001410963.1); c.413T>C, p.Ile138Thr (NM_001410964.1); short protein forms I138T, I152T, I153T, I139T.
Identifiers: ClinVar variation 1923928 (VCV001923928.5), dbSNP rs1852876351, ClinGen allele CA379919665.
Genomic context (GRCh38, chr11:22,227,396, plus strand): 5'-TCCATGCCCCTTGGGAGGTATTAGTTACCTATGCTGAAGTCTTGGGAATCAAAATGCCTA[T>C]TAAGGAGAGTGATATTCCCCGCCCTAAGCACACTCCTATAAGCTATGTGCTTGGACCTGT-3'
Protein context (NP_998764.1, residues 143-163): YAEVLGIKMP[Ile153Thr]KESDIPRPKH